The following is an entry in ClinVar:

ClinVar aggregate classification (germline): Uncertain significance (1 of 4 stars; one submission).

Conditions:
Pitt-Hopkins-like syndrome 2 (PTHSL2). Identifiers: Orphanet 221150, Orphanet 600663, MedGen C3280479, MONDO:0013690, OMIM 614325.

Allele frequency attached by ClinVar (database versions not stated): gnomAD exomes below 0.00001.
gnomAD v4.1: 3 of 1,389,946 alleles (0.00022%); highest among the groups gnomAD compares: East Asian, 0.0026%; no homozygotes.

Submission:

Labcorp Genetics (formerly Invitae), Labcorp
Classification: Uncertain significance for Pitt-Hopkins-like syndrome 2. Last evaluated: 2025-02-17. Review status: criteria provided, single submitter. Criteria: Invitae Variant Classification Sherloc (09022015). Collection method: clinical testing. Allele origin: germline.
Comment: This sequence change replaces lysine, which is basic and polar, with arginine, which is basic and polar, at codon 310 of the NRXN1 protein (p.Lys310Arg). This variant is not present in population databases (gnomAD no frequency). This variant has not been reported in the literature in individuals affected with NRXN1-related conditions. ClinVar contains an entry for this variant (Variation ID: 2709842). An algorithm developed to predict the effect of missense changes on protein structure and function (PolyPhen-2) suggests that this variant is likely to be tolerated. In summary, the available evidence is currently insufficient to determine the role of this variant in disease. Therefore, it has been classified as a Variant of Uncertain Significance.

NM_001330078.2(NRXN1):c.830A>G (p.Lys277Arg)

Gene: NRXN1 (neurexin 1; minus strand). Cytogenetic location: 2p16.3.
Variant type: single nucleotide variant.
Coding change: c.830A>G on transcript NM_001330078.2 (MANE Select); coding-DNA position 830, A replaced by G.
Protein change: p.Lys277Arg; replaces lysine 277 with arginine.
Molecular consequence: missense variant. On other transcripts: intron variant (6).
Genome position (GRCh38, 1-based): chr2:50,921,871, T>C on the plus strand (A>G on the coding strand, the complement: NRXN1 is on the minus strand). VCF-style: chr2-50921871-T-C. GRCh37 (hg19) VCF-style: chr2-51149009-T-C.
Other names: c.929A>G, p.Lys310Arg (NM_001135659.3); c.830A>G, p.Lys277Arg (NM_001330077.2, NM_001330081.2, NM_001330082.2 and 5 more transcripts); c.827A>G, p.Lys276Arg (NM_001330079.2, NM_001330093.2); c.802+787A>G (NM_001330088.2); c.820+787A>G (NM_001330094.2); c.772+105631A>G (NM_001330096.2, NM_001330087.2, NM_001330083.2 and 1 more transcripts); short protein forms K276R, K310R, K277R.
Identifiers: ClinVar variation 2709842 (VCV002709842.3), dbSNP rs2466962583, ClinGen allele CA346822783.